The following is an entry in ClinVar:

ClinVar aggregate classification (germline): Likely pathogenic (0 of 4 stars; one submission).

Conditions:
Phenylketonuria (PKU). Also called: FOLLING DISEASE; OLIGOPHRENIA PHENYLPYRUVICA; Phenylketonurias; Phenylketonuria (PKU). Identifiers: Orphanet 716, MedGen C0031485, MONDO:0009861, OMIM 261600. Disease mechanism: loss of function.

Submission:

Inserm U 954, Faculté de Médecine de Nancy
Classification: Likely pathogenic. Review status: no assertion criteria provided. Collection method: not provided. Allele origin: unknown.
Comment: PKU
ClinVar note: Converted during submission from probable-pathogenic to Likely pathogenic.

NM_000277.3(PAH):c.1025C>A (p.Ala342Glu)

Gene: PAH (phenylalanine hydroxylase; minus strand). Cytogenetic location: 12q23.2.
Variant type: single nucleotide variant.
Coding change: c.1025C>A on transcript NM_000277.3 (MANE Select); coding-DNA position 1025, C replaced by A.
Protein change: p.Ala342Glu; replaces alanine 342 with glutamic acid.
Molecular consequence: missense variant.
Genome position (GRCh38, 1-based): chr12:102,844,376, G>T on the plus strand (C>A on the coding strand, the complement: PAH is on the minus strand). VCF-style: chr12-102844376-G-T. GRCh37 (hg19) VCF-style: chr12-103238154-G-T.
Other names: c.1025C>A, p.Ala342Glu (NM_001354304.2); short protein forms A342E.
Identifiers: ClinVar variation 208179 (VCV000208179.2), dbSNP rs796064501, ClinGen allele CA275935.
Genomic context (GRCh38, chr12:102,844,376, plus strand): 5'-GGTTCCTGTGAAGGTCATACCTGTAATTCACCAAAGGATGACAGGAGCCCAGCACCATAT[G>T]CCTTTATGGAGTCTCCTTGTTTGCAGAGCCCAAACTCCACAGTAAACCAGTAAATCTGGA-3'
Protein context (NP_000268.1, residues 332-352): GLCKQGDSIK[Ala342Glu]YGAGLLSSFG